The following is an entry in ClinVar:

NM_017780.4(CHD7):c.3121T>G (p.Leu1041Val)

Gene: CHD7 (chromodomain helicase DNA binding protein 7; plus strand). Cytogenetic location: 8q12.2.
Variant type: single nucleotide variant.
Coding change: c.3121T>G on transcript NM_017780.4 (MANE Select); coding-DNA position 3121, T replaced by G.
Protein change: p.Leu1041Val; replaces leucine 1041 with valine.
Molecular consequence: missense variant. On other transcripts: intron variant (1).
Genome position (GRCh38, 1-based): chr8:60,822,666, T>G. VCF-style: chr8-60822666-T-G. GRCh37 (hg19) VCF-style: chr8-61735225-T-G.
Other names: c.1717-39563T>G (NM_001316690.1); short protein forms L1041V.
Identifiers: ClinVar variation 4796948 (VCV004796948.2).
Genomic context (GRCh38, chr8:60,822,666, plus strand): 5'-GTAATTGCCCCATTGTCCACAATCCCCAACTGGGAAAGGGAATTCCGAACCTGGACAGAG[T>G]TGAACGTGGTTGTGTATCATGGGAGTCAAGCTAGTCGTCGGACCATTCAGTTGTATGAAA-3'
Protein context (NP_060250.2, residues 1031-1051): WEREFRTWTE[Leu1041Val]NVVVYHGSQA

ClinVar aggregate classification (germline): Uncertain significance. Review status: criteria provided, multiple submitters, no conflicts (2 of 4 stars). 2 submissions from 2 submitters: Uncertain significance (2). Last evaluated 2026-01-05.

Conditions:
CHARGE syndrome (CHARGE). Also called: Hittner Hirsch Kreh syndrome; CHARGE ASSOCIATION--COLOBOMA, HEART ANOMALY, CHOANAL ATRESIA, RETARDATION, GENITAL AND EAR ANOMALIES; Coloboma, heart anomaly, choanal atresia, retardation, genital and ear anomalies; CHARGE association; Hall-Hittner syndrome. Identifiers: Orphanet 138, MedGen C0265354, MONDO:0008965.

Submissions (2):

Labcorp Genetics (formerly Invitae), Labcorp
Classification: Uncertain significance for CHARGE syndrome. Last evaluated: 2026-01-05. Review status: criteria provided, single submitter. Criteria: Invitae Variant Classification Sherloc (09022015). Collection method: clinical testing. Allele origin: germline.
Comment: This sequence change replaces leucine, which is neutral and non-polar, with valine, which is neutral and non-polar, at codon 1041 of the CHD7 protein (p.Leu1041Val). This variant is not present in population databases (gnomAD no frequency). This variant has not been reported in the literature in individuals affected with CHD7-related conditions. Invitae Evidence Modeling of protein sequence and biophysical properties (such as structural, functional, and spatial information, amino acid conservation, physicochemical variation, residue mobility, and thermodynamic stability) indicates that this missense variant is not expected to disrupt CHD7 protein function with a negative predictive value of 80%. In summary, the available evidence is currently insufficient to determine the role of this variant in disease. Therefore, it has been classified as a Variant of Uncertain Significance.

Blueprint Genetics
Classification: Uncertain significance. Last evaluated: 2021-04-27. Review status: criteria provided, single submitter. Criteria: ACMG Guidelines, 2015. Collection method: clinical testing. Allele origin: germline.